The following is an entry in ClinVar:

NM_013314.4(BLNK):c.484C>T (p.Pro162Ser)

Gene: BLNK (B cell linker; minus strand). Cytogenetic location: 10q24.1.
Variant type: single nucleotide variant.
Coding change: c.484C>T on transcript NM_013314.4 (MANE Select); coding-DNA position 484, C replaced by T.
Protein change: p.Pro162Ser; replaces proline 162 with serine.
Molecular consequence: missense variant. On other transcripts: non-coding transcript variant (1), intron variant (1).
Genome position (GRCh38, 1-based): chr10:96,223,867, G>A on the plus strand (C>T on the coding strand, the complement: BLNK is on the minus strand). VCF-style: chr10-96223867-G-A. GRCh37 (hg19) VCF-style: chr10-97983623-G-A.
Other names: c.484C>T, p.Pro162Ser (NM_001114094.2, NM_001258440.2, NM_001258441.2); c.349+3555C>T (NM_001258442.2); short protein forms P162S.
Identifiers: ClinVar variation 1719340 (VCV001719340.3), dbSNP rs1554901779, ClinGen allele CA377724426.

ClinVar aggregate classification (germline): Uncertain significance (1 of 4 stars; one submission).

Conditions:
Agammaglobulinemia 4, autosomal recessive (AGM4). Also called: B cell linker protein deficiency; AGAMMAGLOBULINEMIA, AUTOSOMAL RECESSIVE, DUE TO BLNK DEFECT. Identifiers: MedGen C3150752, MONDO:0013289, OMIM 613502.

Allele frequency attached by ClinVar (database versions not stated): gnomAD exomes 0.00001.
gnomAD v4.1: 7 of 1,613,914 alleles (0.00043%); highest among the groups gnomAD compares: East Asian, 0.016%; no homozygotes.

Submission:

Labcorp Genetics (formerly Invitae), Labcorp
Classification: Uncertain significance for Agammaglobulinemia 4, autosomal recessive. Last evaluated: 2022-07-19. Review status: criteria provided, single submitter. Criteria: Invitae Variant Classification Sherloc (09022015). Collection method: clinical testing. Allele origin: germline.
Comment: This sequence change replaces proline, which is neutral and non-polar, with serine, which is neutral and polar, at codon 162 of the BLNK protein (p.Pro162Ser). This variant is present in population databases (no rsID available, gnomAD 0.006%). This variant has not been reported in the literature in individuals affected with BLNK-related conditions. Algorithms developed to predict the effect of missense changes on protein structure and function are either unavailable or do not agree on the potential impact of this missense change (SIFT: "Deleterious"; PolyPhen-2: "Benign"; Align-GVGD: "Class C0"). In summary, the available evidence is currently insufficient to determine the role of this variant in disease. Therefore, it has been classified as a Variant of Uncertain Significance.